The following is an entry in ClinVar:

NM_017780.4(CHD7):c.5291C>T (p.Ala1764Val)

Gene: CHD7 (chromodomain helicase DNA binding protein 7; plus strand). Cytogenetic location: 8q12.2.
Variant type: single nucleotide variant.
Coding change: c.5291C>T on transcript NM_017780.4 (MANE Select); coding-DNA position 5291, C replaced by T.
Protein change: p.Ala1764Val; replaces alanine 1764 with valine.
Molecular consequence: missense variant. On other transcripts: intron variant (1).
Genome position (GRCh38, 1-based): chr8:60,848,595, C>T. VCF-style: chr8-60848595-C-T. GRCh37 (hg19) VCF-style: chr8-61761154-C-T.
Other names: c.1717-13634C>T (NM_001316690.1); c.5291C>T (NM_017780.3); short protein forms A1764V.
Identifiers: ClinVar variation 2032283 (VCV002032283.7), dbSNP rs764957919, ClinGen allele CA4760319.
Genomic context (GRCh38, chr8:60,848,595, plus strand): 5'-TGCTGTACTACCTAAGACAAGAAGTGATAGGAGACCAGGCGGATAAGATCTTAGAGGGTG[C>T]TGACTCAAGGTTAGTGCGAGCTCACATTTGTTCTCAACCTCAGTGAGATAATCTGGGTAG-3'
Protein context (NP_060250.2, residues 1754-1774): GDQADKILEG[Ala1764Val]DSSEADVWIP

ClinVar aggregate classification (germline): Conflicting classifications of pathogenicity. Review status: criteria provided, conflicting classifications (1 of 4 stars). 4 submissions from 4 submitters: Uncertain significance (3); Benign (1). Last evaluated 2026-01-05.

Conditions:
CHARGE syndrome (CHARGE). Also called: Hittner Hirsch Kreh syndrome; CHARGE ASSOCIATION--COLOBOMA, HEART ANOMALY, CHOANAL ATRESIA, RETARDATION, GENITAL AND EAR ANOMALIES; Coloboma, heart anomaly, choanal atresia, retardation, genital and ear anomalies; CHARGE association; Hall-Hittner syndrome. Identifiers: Orphanet 138, MedGen C0265354, MONDO:0008965.
Inborn genetic diseases. Identifiers: MedGen C0950123, MeSH D030342.
Hypogonadotropic hypogonadism 5 with or without anosmia (KAL5). Also called: CHD7-Related GnRH Deficiency (Kallmann Syndrome 5); HYPOGONADOTROPIC HYPOGONADISM 5 WITH ANOSMIA; HYPOGONADOTROPHIC HYPOGONADISM 5 WITHOUT ANOSMIA. Identifiers: Orphanet 478, MedGen C3552553, MONDO:0012880, OMIM 612370. Disease mechanism: loss of function.
CHD7-related disorder. Also called: CHD7-related condition.

Allele frequency attached by ClinVar (database versions not stated): gnomAD exomes below 0.00001; gnomAD 0.00001; ExAC 0.00003; TOPMed 0.00003.
gnomAD v4.1: 5 of 1,612,438 alleles (0.00031%); highest among the groups gnomAD compares: Admixed American, 0.005%; no homozygotes.

Submissions (4):

Labcorp Genetics (formerly Invitae), Labcorp
Classification: Benign for CHARGE syndrome. Last evaluated: 2026-01-05. Review status: criteria provided, single submitter. Criteria: Invitae Variant Classification Sherloc (09022015). Collection method: clinical testing. Allele origin: germline.

Ambry Genetics
Classification: Uncertain significance for Inborn genetic diseases. Last evaluated: 2025-08-15. Review status: criteria provided, single submitter. Criteria: Ambry Variant Classification Scheme 2023. Collection method: clinical testing. Allele origin: germline.

PreventionGenetics, part of Exact Sciences
Classification: Uncertain significance for CHD7-related condition. Last evaluated: 2025-07-28. Review status: criteria provided, single submitter. Criteria: ACMG Guidelines, 2015. Collection method: clinical testing. Allele origin: germline.
Comment: The CHD7 c.5291C>T variant is predicted to result in the amino acid substitution p.Ala1764Val. To our knowledge, this variant has not been reported in the literature. This variant is reported in 0.0085% of alleles in individuals of Latino descent in gnomAD. At this time, the clinical significance of this variant is uncertain due to the absence of conclusive functional and genetic evidence.

Fulgent Genetics
Classification: Uncertain significance for CHD7-related CHARGE syndrome; Hypogonadotropic hypogonadism 5 with or without anosmia. Last evaluated: 2024-03-06. Review status: criteria provided, single submitter. Criteria: ACMG Guidelines, 2015. Collection method: clinical testing. Allele origin: germline.